The following is an entry in ClinVar:

NM_058216.3(RAD51C):c.73delinsTTC (p.Val25fs)

Gene: RAD51C (RAD51 paralog C; plus strand). Cytogenetic location: 17q22.
Variant type: Indel.
Coding change: c.73delinsTTC on transcript NM_058216.3 (MANE Select); coding-DNA position 73, G replaced by TTC.
Protein change: p.Val25fs; shifts the reading frame from valine 25.
Molecular consequence: frameshift variant. On other transcripts: non-coding transcript variant (1).
Genome position (GRCh38, 1-based): chr17:58,692,716, G replaced by TTC. VCF-style: chr17-58692716-G-TTC. GRCh37 (hg19) VCF-style: chr17-56770077-G-TTC.
Other names: c.73delinsTTC, p.Val25fs (NM_002876.4); short protein forms V25fs.
Identifiers: ClinVar variation 567160 (VCV000567160.7), dbSNP rs1567782936, ClinGen allele CA891844266.

ClinVar aggregate classification (germline): Pathogenic. Review status: criteria provided, multiple submitters, no conflicts (2 of 4 stars). 2 submissions from 2 submitters: Pathogenic (2). Last evaluated 2024-01-08.

Conditions:
Breast-ovarian cancer, familial, susceptibility to, 3. Also called: RAD51C-Related Breast/Ovarian Cancer. Identifiers: Orphanet 145, MedGen C3150659, MONDO:0013253, OMIM 613399.
Fanconi anemia complementation group O. Also called: RAD51C-Related Fanconi Anemia. Identifiers: Orphanet 84, MedGen C3150653, MONDO:0013248, OMIM 613390.

Submissions (2):

Labcorp Genetics (formerly Invitae), Labcorp
Classification: Pathogenic for Fanconi anemia complementation group O. Last evaluated: 2024-01-08. Review status: criteria provided, single submitter. Criteria: Invitae Variant Classification Sherloc (09022015). Collection method: clinical testing. Allele origin: germline.
Comment: This sequence change creates a premature translational stop signal (p.Val25Phefs*2) in the RAD51C gene. It is expected to result in an absent or disrupted protein product. Loss-of-function variants in RAD51C are known to be pathogenic (PMID: 20400964, 21990120, 24800917, 29278735). This variant is not present in population databases (gnomAD no frequency). A similar premature translational stop signal beginning at this codon has been observed in individual(s) with ovarian cancer (PMID: 21990120). For these reasons, this variant has been classified as Pathogenic.

Myriad Genetics, Inc.
Classification: Pathogenic for Breast-ovarian cancer, familial, susceptibility to, 3. Last evaluated: 2024-01-02. Review status: criteria provided, single submitter. Criteria: Myriad Autosomal Dominant, Autosomal Recessive and X-Linked Classification Criteria (2023). Collection method: clinical testing. Allele origin: unknown.
Comment: This variant is considered pathogenic. This variant creates a frameshift predicted to result in premature protein truncation.

Literature cited by the submitters: PubMed 20400964 (cited by Labcorp Genetics (formerly Invitae), Labcorp); PubMed 21990120 (cited by Labcorp Genetics (formerly Invitae), Labcorp); PubMed 24800917 (cited by Labcorp Genetics (formerly Invitae), Labcorp); PubMed 29278735 (cited by Labcorp Genetics (formerly Invitae), Labcorp).